The following is an entry in ClinVar:

ClinVar aggregate classification (germline): Benign. Review status: criteria provided, multiple submitters, no conflicts (2 of 4 stars). 6 submissions from 6 submitters: Benign (6). Last evaluated 2026-02-04.

Conditions:
Cole-Carpenter syndrome 2 (CLCRP2). Identifiers: Orphanet 2050, MedGen C4225382, MONDO:0014573, OMIM 616294.

Submissions (6):

Labcorp Genetics (formerly Invitae), Labcorp
Classification: Benign. Last evaluated: 2026-02-04. Review status: criteria provided, single submitter. Criteria: Invitae Variant Classification Sherloc (09022015). Collection method: clinical testing. Allele origin: germline.

ARUP Laboratories, Molecular Genetics and Genomics, ARUP Laboratories
Classification: Benign for Cole-Carpenter syndrome 2. Last evaluated: 2025-07-18. Review status: criteria provided, single submitter. Criteria: ARUP Molecular Germline Variant Investigation Process 2024. Collection method: clinical testing. Allele origin: germline.

Blueprint Genetics
Classification: Benign. Last evaluated: 2024-11-26. Review status: criteria provided, single submitter. Criteria: ACMG Guidelines, 2015. Collection method: clinical testing. Allele origin: germline.

Mayo Clinic Laboratories, Mayo Clinic
Classification: Benign. Last evaluated: 2024-04-11. Review status: criteria provided, single submitter. Criteria: ACMG Guidelines, 2015. Collection method: clinical testing. Allele origin: germline. Observed: 70 variant alleles.
Comment: BA1

Fulgent Genetics
Classification: Benign for Cole-Carpenter syndrome 2. Last evaluated: 2022-03-16. Review status: criteria provided, single submitter. Criteria: ACMG Guidelines, 2015. Collection method: clinical testing. Allele origin: unknown.

GeneDx
Classification: Benign. Last evaluated: 2018-08-10. Review status: criteria provided, single submitter. Criteria: GeneDx Variant Classification Process June 2021. Collection method: clinical testing. Allele origin: germline. Affected: yes.

Literature cited by the submitters: PubMed 37270749 (cited by Mayo Clinic Laboratories, Mayo Clinic).

NM_014822.4(SEC24D):c.1422-9dup

Gene: SEC24D (SEC24 homolog D, COPII component; minus strand). Cytogenetic location: 4q26.
Variant type: Duplication.
Coding change: c.1422-9dup on transcript NM_014822.4 (MANE Select); 9 bases into the intron before coding-DNA position 1422, one base duplicated (T; older notation c.1422-9dupT).
Molecular consequence: intron variant.
Genome position (GRCh38, 1-based): chr4:118,752,897, A duplicated on the plus strand (T on the coding strand, the reverse complement: SEC24D is on the minus strand); the first of 10 consecutive A bases (chr4:118,752,897-118,752,906); duplicating any one gives the same sequence. VCF-style (leftmost placement, unchanged base first): chr4-118752896-G-GA. GRCh37 (hg19) VCF-style: chr4-119674051-G-GA.
Other names: p.?; c.1425-9dup (NM_001318066.2).
Identifiers: ClinVar variation 1303509 (VCV001303509.13), dbSNP rs71595318, ClinGen allele CA3057244.
Genomic context (GRCh38, chr4:118,752,896, plus strand): 5'-TGTTATATGTGATAAAACCCACTCGAATTGCAGACGTCTCTTCTTGCTCTTCCCTGTAAG[G>GA]AAAAAAAAAAGTGTTTGAGATGCTTTATAAATTTAGATGAAAAGGAGGTTTCTATCTGAA-3'